The following is an entry in ClinVar:

NM_006445.4(PRPF8):c.1115C>T (p.Pro372Leu)

Gene: PRPF8 (pre-mRNA processing factor 8; minus strand). Cytogenetic location: 17p13.3.
Variant type: single nucleotide variant.
Coding change: c.1115C>T on transcript NM_006445.4 (MANE Select); coding-DNA position 1115, C replaced by T.
Protein change: p.Pro372Leu; replaces proline 372 with leucine.
Molecular consequence: missense variant.
Genome position (GRCh38, 1-based): chr17:1,679,783, G>A on the plus strand (C>T on the coding strand, the complement: PRPF8 is on the minus strand). VCF-style: chr17-1679783-G-A. GRCh37 (hg19) VCF-style: chr17-1583077-G-A.
Other names: c.1115C>T (NM_006445.3); short protein forms P372L.
Identifiers: ClinVar variation 1425421 (VCV001425421.8), dbSNP rs144200305, ClinGen allele CA8272435.

ClinVar aggregate classification (germline): Conflicting classifications of pathogenicity. Review status: criteria provided, conflicting classifications (1 of 4 stars). 3 submissions from 3 submitters: Uncertain significance (2); Benign (1). Last evaluated 2025-08-27.

Conditions:
Inborn genetic diseases. Identifiers: MedGen C0950123, MeSH D030342.

Allele frequency attached by ClinVar (database versions not stated): gnomAD 0.00001 and 0.00003; ExAC 0.00002; TOPMed 0.00003; gnomAD exomes 0.00006 and 0.00011; ESP Exome Variant Server 0.00015.

Submissions (3):

Ambry Genetics
Classification: Uncertain significance for Inborn genetic diseases. Last evaluated: 2025-08-27. Review status: criteria provided, single submitter. Criteria: Ambry Variant Classification Scheme 2023. Collection method: clinical testing. Allele origin: germline.

Labcorp Genetics (formerly Invitae), Labcorp
Classification: Uncertain significance. Last evaluated: 2025-08-25. Review status: criteria provided, single submitter. Criteria: Invitae Variant Classification Sherloc (09022015). Collection method: clinical testing. Allele origin: germline.
Comment: This sequence change replaces proline, which is neutral and non-polar, with leucine, which is neutral and non-polar, at codon 372 of the PRPF8 protein (p.Pro372Leu). This variant is present in population databases (rs144200305, gnomAD 0.01%). This variant has not been reported in the literature in individuals affected with PRPF8-related conditions. ClinVar contains an entry for this variant (Variation ID: 1425421). Invitae Evidence Modeling of protein sequence and biophysical properties (such as structural, functional, and spatial information, amino acid conservation, physicochemical variation, residue mobility, and thermodynamic stability) indicates that this missense variant is not expected to disrupt PRPF8 protein function with a negative predictive value of 80%. In summary, the available evidence is currently insufficient to determine the role of this variant in disease. Therefore, it has been classified as a Variant of Uncertain Significance.

Blueprint Genetics
Classification: Benign. Last evaluated: 2023-07-13. Review status: criteria provided, single submitter. Criteria: ACMG Guidelines, 2015. Collection method: clinical testing. Allele origin: germline.